The following is an entry in ClinVar:

ClinVar aggregate classification (germline): Pathogenic (1 of 4 stars; one submission).

Submission:

CeGaT Center for Human Genetics Tuebingen
Classification: Pathogenic. Last evaluated: 2025-04-01. Review status: criteria provided, single submitter. Criteria: CeGaT Center For Human Genetics Tuebingen Variant Classification Criteria Version 2. Collection method: clinical testing. Allele origin: germline. Affected: yes. Observed: 1 variant allele.
Comment: MID1: PVS1, PM2

NM_000381.4(MID1):c.865-2A>G

Gene: MID1 (midline 1; minus strand). Cytogenetic location: Xp22.2.
Variant type: single nucleotide variant.
Coding change: c.865-2A>G on transcript NM_000381.4 (MANE Select); the canonical splice acceptor site of the intron before coding-DNA position 865, A replaced by G.
Molecular consequence: splice acceptor variant.
Genome position (GRCh38, 1-based): chrX:10,482,630, T>C on the plus strand (A>G on the coding strand, the complement: MID1 is on the minus strand). VCF-style: chrX-10482630-T-C. GRCh37 (hg19) VCF-style: chrX-10450670-T-C.
Other names: c.865-2A>G (NM_033290.4, NM_001098624.2, NM_001347733.2 and 2 more transcripts); c.751-2A>G (NM_033289.2, NM_001193280.1); c.1018-2A>G (NM_001193278.1).
Identifiers: ClinVar variation 3898633 (VCV003898633.7).